The following is an entry in ClinVar:

ClinVar aggregate classification (germline): Uncertain significance. Review status: criteria provided, multiple submitters, no conflicts (2 of 4 stars). 2 submissions from 2 submitters: Uncertain significance (2). Last evaluated 2024-12-12.

Conditions:
UMOD-related disorder. Also called: UMOD-related condition.

Allele frequency attached by ClinVar (database versions not stated): gnomAD exomes below 0.00001; gnomAD 0.00001; TOPMed 0.00001.

Submissions (2):

PreventionGenetics, part of Exact Sciences
Classification: Uncertain significance for UMOD-related condition. Last evaluated: 2024-12-12. Review status: criteria provided, single submitter. Criteria: ACMG Guidelines, 2015. Collection method: clinical testing. Allele origin: germline.
Comment: The UMOD c.1199C>T variant is predicted to result in the amino acid substitution p.Ala400Val. To our knowledge, this variant has not been reported in the literature. This variant is predicted to alter splicing based on available splicing prediction programs (SpliceAI, Jaganathan et al. 2019. PubMed ID: 30661751). This variant is reported in 0.0065% of alleles in individuals of European (non-Finnish) descent in gnomAD. At this time, the clinical significance of this variant is uncertain due to the absence of conclusive functional and genetic evidence.

Labcorp Genetics (formerly Invitae), Labcorp
Classification: Uncertain significance. Last evaluated: 2023-06-23. Review status: criteria provided, single submitter. Criteria: Invitae Variant Classification Sherloc (09022015). Collection method: clinical testing. Allele origin: germline.
Comment: This sequence change replaces alanine, which is neutral and non-polar, with valine, which is neutral and non-polar, at codon 400 of the UMOD protein (p.Ala400Val). This variant is present in population databases (no rsID available, gnomAD 0.007%). In summary, the available evidence is currently insufficient to determine the role of this variant in disease. Therefore, it has been classified as a Variant of Uncertain Significance. Algorithms developed to predict the effect of sequence changes on RNA splicing suggest that this variant may create or strengthen a splice site. Advanced modeling of protein sequence and biophysical properties (such as structural, functional, and spatial information, amino acid conservation, physicochemical variation, residue mobility, and thermodynamic stability) performed at Invitae indicates that this missense variant is not expected to disrupt UMOD protein function. This variant has not been reported in the literature in individuals affected with UMOD-related conditions.

NM_003361.4(UMOD):c.1199C>T (p.Ala400Val)

Gene: UMOD (uromodulin; minus strand). Cytogenetic location: 16p12.3.
Variant type: single nucleotide variant.
Coding change: c.1199C>T on transcript NM_003361.4 (MANE Select); coding-DNA position 1199, C replaced by T.
Protein change: p.Ala400Val; replaces alanine 400 with valine.
Molecular consequence: missense variant. On other transcripts: non-coding transcript variant (1).
Genome position (GRCh38, 1-based): chr16:20,344,156, G>A on the plus strand (C>T on the coding strand, the complement: UMOD is on the minus strand). VCF-style: chr16-20344156-G-A. GRCh37 (hg19) VCF-style: chr16-20355478-G-A.
Other names: c.1199C>T (NM_003361.3); c.1199C>T, p.Ala400Val (NM_001008389.3, NM_001378232.1, NM_001378233.1 and 3 more transcripts); c.1298C>T, p.Ala433Val (NM_001278614.2); short protein forms A433V, A400V.
Identifiers: ClinVar variation 2803053 (VCV002803053.4), dbSNP rs1350479147, ClinGen allele CA394982984.
Genomic context (GRCh38, chr16:20,344,156, plus strand): 5'-TTGATGTTGAGGTCACGGATGATGATCTCATCTGCCAGGTAGAGGGTGTTGCTGTAAGTG[G>A]CATGGGTTTCATTCCTCTGTTGCAGGGAATGGGGGTGGAGGGGGGGTGGGGATGAGAGAA-3'
Protein context (NP_003352.2, residues 390-410): GTVLTRNETH[Ala400Val]TYSNTLYLAD